The following is an entry in ClinVar:

NM_170707.4(LMNA):c.1181C>T (p.Thr394Ile)

Gene: LMNA (lamin A/C; plus strand). Cytogenetic location: 1q22.
Variant type: single nucleotide variant.
Coding change: c.1181C>T on transcript NM_170707.4 (MANE Select); coding-DNA position 1181, C replaced by T.
Protein change: p.Thr394Ile; replaces threonine 394 with isoleucine.
Molecular consequence: missense variant.
Genome position (GRCh38, 1-based): chr1:156,136,237, C>T. VCF-style: chr1-156136237-C-T. GRCh37 (hg19) VCF-style: chr1-156106028-C-T.
Other names: c.845C>T, p.Thr282Ile (NM_001257374.3); c.938C>T, p.Thr313Ile (NM_001282624.2); c.1181C>T, p.Thr394Ile (NM_001282625.2, NM_001282626.2, NM_005572.4 and 1 more transcripts); short protein forms T394I, T282I, T313I.
Identifiers: ClinVar variation 959791 (VCV000959791.8), dbSNP rs757887400, ClinGen allele CA049322.

ClinVar aggregate classification (germline): Uncertain significance. Review status: criteria provided, multiple submitters, no conflicts (2 of 4 stars). 3 submissions from 3 submitters: Uncertain significance (3). Last evaluated 2025-11-30.

Conditions:
Charcot-Marie-Tooth disease type 2. Also called: Charcot-Marie-Tooth type 2. Identifiers: Orphanet 64746, MedGen C0270914, MONDO:0018993.
Cardiomyopathy (CMYO). Also called: Cardiomyopathies. Identifiers: Orphanet 167848, MedGen C0878544, MONDO:0004994, HP:0001638. Inheritance: Various modes of inheritance.
Primary dilated cardiomyopathy (DCM). Also called: Dilated Cardiomyopathy. Identifiers: Orphanet 217604, MedGen C0007193, MeSH D002311, MONDO:0005021, HP:0001644. Inheritance: Various modes of inheritance.

Allele frequency attached by ClinVar (database versions not stated): ExAC 0.00001; gnomAD exomes below 0.00001; TOPMed 0.00001.
gnomAD v4.1: 1 of 1,612,234 alleles (0.000062%); highest among the groups gnomAD compares: Admixed American, 0.0017%; no homozygotes.

Submissions (3):

Labcorp Genetics (formerly Invitae), Labcorp
Classification: Uncertain significance for Charcot-Marie-Tooth disease type 2. Last evaluated: 2025-11-30. Review status: criteria provided, single submitter. Criteria: Invitae Variant Classification Sherloc (09022015). Collection method: clinical testing. Allele origin: germline.
Comment: This sequence change replaces threonine, which is neutral and polar, with isoleucine, which is neutral and non-polar, at codon 394 of the LMNA protein (p.Thr394Ile). This variant is present in population databases (rs757887400, gnomAD 0.003%). This variant has not been reported in the literature in individuals affected with LMNA-related conditions. ClinVar contains an entry for this variant (Variation ID: 959791). Invitae Evidence Modeling of protein sequence and biophysical properties (such as structural, functional, and spatial information, amino acid conservation, physicochemical variation, residue mobility, and thermodynamic stability) indicates that this missense variant is expected to disrupt LMNA protein function with a positive predictive value of 95%. In summary, the available evidence is currently insufficient to determine the role of this variant in disease. Therefore, it has been classified as a Variant of Uncertain Significance.

Color Diagnostics, LLC DBA Color Health
Classification: Uncertain significance for Cardiomyopathy. Last evaluated: 2025-07-08. Review status: criteria provided, single submitter. Criteria: ACMG Guidelines, 2015. Collection method: clinical testing. Allele origin: germline.
Comment: This missense variant replaces threonine with isoleucine at codon 394 of the LMNA protein. Computational prediction is inconclusive regarding the impact of this variant on protein structure and function. To our knowledge, functional studies have not been reported for this variant. This variant has not been reported in individuals affected with LMNA-related disorders in the literature. This variant has been identified in 1/248620 chromosomes in the general population by the Genome Aggregation Database (gnomAD). The available evidence is insufficient to determine the role of this variant in disease conclusively. Therefore, this variant is classified as a Variant of Uncertain Significance.

All of Us Research Program, National Institutes of Health
Classification: Uncertain significance for Primary dilated cardiomyopathy. Last evaluated: 2023-05-04. Review status: criteria provided, single submitter. Criteria: ACMG Guidelines, 2015. Collection method: clinical testing. Allele origin: germline. Inheritance: Autosomal dominant inheritance. Observed: 1 variant allele, 1 heterozygote.
Comment: This missense variant replaces threonine with isoleucine at codon 394 of the LMNA protein. Computational prediction is inconclusive regarding the impact of this variant on protein structure and function (internally defined REVEL score threshold 0.5 < inconclusive < 0.7, PMID: 27666373). To our knowledge, functional studies have not been reported for this variant. This variant has not been reported in individuals affected with LMNA-related disorders in the literature. This variant has been identified in 1/248620 chromosomes in the general population by the Genome Aggregation Database (gnomAD). The available evidence is insufficient to determine the role of this variant in disease conclusively. Therefore, this variant is classified as a Variant of Uncertain Significance.

This study involves interpretation of variants in research participants for the purpose of population health screening. Participant phenotype was not available at the time of variant classification. Additional details can be found in publication PMID: 35346344, PMCID: PMC8962531